The following is an entry in ClinVar:

NM_015512.5(DNAH1):c.3773A>C (p.Gln1258Pro)

Gene: DNAH1 (dynein axonemal heavy chain 1; plus strand). Cytogenetic location: 3p21.1.
Variant type: single nucleotide variant.
Coding change: c.3773A>C on transcript NM_015512.5 (MANE Select); coding-DNA position 3773, A replaced by C.
Protein change: p.Gln1258Pro; replaces glutamine 1258 with proline.
Molecular consequence: missense variant.
Genome position (GRCh38, 1-based): chr3:52,356,693, A>C. VCF-style: chr3-52356693-A-C. GRCh37 (hg19) VCF-style: chr3-52390709-A-C.
Other names: short protein forms Q1258P.
Identifiers: ClinVar variation 3761951 (VCV003761951.2).

ClinVar aggregate classification (germline): Uncertain significance (1 of 4 stars; one submission).

Conditions:
Spermatogenic failure 18. Identifiers: MedGen C4539783, MONDO:0054615, OMIM 617576.
Ciliary dyskinesia, primary, 37 (CILD37). Also called: CILIARY DYSKINESIA, PRIMARY, 37, WITH OR WITHOUT SITUS INVERSUS. Identifiers: MedGen C4539798, MONDO:0033204, OMIM 617577.

gnomAD v4.1: 2 of 1,613,932 alleles (0.00012%); highest among the groups gnomAD compares: Admixed American, 0.0033%; no homozygotes.

Submission:

Labcorp Genetics (formerly Invitae), Labcorp
Classification: Uncertain significance for Ciliary dyskinesia, primary, 37; Spermatogenic failure 18. Last evaluated: 2024-03-18. Review status: criteria provided, single submitter. Criteria: Invitae Variant Classification Sherloc (09022015). Collection method: clinical testing. Allele origin: germline.
Comment: This sequence change replaces glutamine, which is neutral and polar, with proline, which is neutral and non-polar, at codon 1258 of the DNAH1 protein (p.Gln1258Pro). This variant is not present in population databases (gnomAD no frequency). This variant has not been reported in the literature in individuals affected with DNAH1-related conditions. Advanced modeling of protein sequence and biophysical properties (such as structural, functional, and spatial information, amino acid conservation, physicochemical variation, residue mobility, and thermodynamic stability) performed at Invitae indicates that this missense variant is expected to disrupt DNAH1 protein function with a positive predictive value of 80%. In summary, the available evidence is currently insufficient to determine the role of this variant in disease. Therefore, it has been classified as a Variant of Uncertain Significance.